The following is an entry in ClinVar:

ClinVar aggregate classification (germline): Uncertain significance (1 of 4 stars; one submission).

Conditions:
Charcot-Marie-Tooth Neuropathy X. Identifiers: MedGen CN118851.

Submission:

Labcorp Genetics (formerly Invitae), Labcorp
Classification: Uncertain significance for Charcot-Marie-Tooth Neuropathy X. Last evaluated: 2020-12-19. Review status: criteria provided, single submitter. Criteria: Invitae Variant Classification Sherloc (09022015). Collection method: clinical testing. Allele origin: germline.
Comment: This sequence change replaces leucine with glutamine at codon 195 of the GJB1 protein (p.Leu195Gln). The leucine residue is highly conserved and there is a moderate physicochemical difference between leucine and glutamine. This variant is not present in population databases (ExAC no frequency). This variant has been observed in one or more individuals who were not affected with Charcot-Marie-Tooth disease (Invitae). Algorithms developed to predict the effect of missense changes on protein structure and function (SIFT, PolyPhen-2, Align-GVGD) all suggest that this variant is likely to be disruptive, but these predictions have not been confirmed by published functional studies and their clinical significance is uncertain. In summary, the available evidence is currently insufficient to determine the role of this variant in disease. Therefore, it has been classified as a Variant of Uncertain Significance.

NM_000166.6(GJB1):c.584T>A (p.Leu195Gln)

Gene: GJB1 (gap junction protein beta 1; plus strand). Cytogenetic location: Xq13.1.
Variant type: single nucleotide variant.
Coding change: c.584T>A on transcript NM_000166.6 (MANE Select); coding-DNA position 584, T replaced by A.
Protein change: p.Leu195Gln; replaces leucine 195 with glutamine.
Molecular consequence: missense variant.
Genome position (GRCh38, 1-based): chrX:71,224,291, T>A. VCF-style: chrX-71224291-T-A. GRCh37 (hg19) VCF-style: chrX-70444141-T-A.
Other names: c.584T>A, p.Leu195Gln (NM_001097642.3); short protein forms L195Q.
Identifiers: ClinVar variation 1013723 (VCV001013723.8), dbSNP rs1569215413, ClinGen allele CA413503232.